The following is an entry in ClinVar:

NC_000001.10:g.(?_155870179)_(155874615_?)dup

Gene: RIT1 (Ras like without CAAX 1; minus strand). Cytogenetic location: 1q22.
Variant type: Duplication.
Identifiers: ClinVar variation 3247868 (VCV003247868.1).

ClinVar aggregate classification (germline): Uncertain significance (1 of 4 stars; one submission).

Conditions:
Noonan syndrome 8 (NS8). Identifiers: Orphanet 648, MedGen C3809233, MONDO:0014143, OMIM 615355.

Submission:

Labcorp Genetics (formerly Invitae), Labcorp
Classification: Uncertain significance for Noonan syndrome 8. Last evaluated: 2023-05-25. Review status: criteria provided, single submitter. Criteria: Invitae Variant Classification Sherloc (09022015). Collection method: clinical testing. Allele origin: unknown.
Comment: This variant results in a copy number gain of the genomic region encompassing exon(s) 4-6 of the RIT1 gene. This region includes the termination codon of the gene. This copy number gain extends beyond the assayed region for this gene and therefore may encompass additional genes. As the precise location of this event is unknown, it may be in tandem or it may be located elsewhere in the genome. In summary, the available evidence is currently insufficient to determine the role of this variant in disease. Therefore, it has been classified as a Variant of Uncertain Significance. This variant has not been reported in the literature in individuals affected with RIT1-related conditions.